The following is an entry in ClinVar:

ClinVar aggregate classification (germline): Uncertain significance (1 of 4 stars; one submission).

Submission:

GeneDx
Classification: Uncertain significance. Last evaluated: 2024-09-22. Review status: criteria provided, single submitter. Criteria: GeneDx Variant Classification Process June 2021. Collection method: clinical testing. Allele origin: germline. Affected: yes.
Comment: Not observed at significant frequency in large population cohorts (gnomAD); In silico analysis supports that this missense variant has a deleterious effect on protein structure/function; Has not been previously published as pathogenic or benign to our knowledge

NM_001330078.2(NRXN1):c.874T>C (p.Phe292Leu)

Gene: NRXN1 (neurexin 1; minus strand). Cytogenetic location: 2p16.3.
Variant type: single nucleotide variant.
Coding change: c.874T>C on transcript NM_001330078.2 (MANE Select); coding-DNA position 874, T replaced by C.
Protein change: p.Phe292Leu; replaces phenylalanine 292 with leucine.
Molecular consequence: missense variant.
Genome position (GRCh38, 1-based): chr2:50,623,574, A>G on the plus strand (T>C on the coding strand, the complement: NRXN1 is on the minus strand). VCF-style: chr2-50623574-A-G. GRCh37 (hg19) VCF-style: chr2-50850712-A-G.
Other names: c.973T>C, p.Phe325Leu (NM_001135659.3); c.874T>C, p.Phe292Leu (NM_001330077.2, NM_001330082.2, NM_001330085.2 and 3 more transcripts); c.814T>C, p.Phe272Leu (NM_001330083.2, NM_001330084.2, NM_001330087.2 and 1 more transcripts); c.844T>C, p.Phe282Leu (NM_001330088.2); c.871T>C, p.Phe291Leu (NM_001330093.2); c.862T>C, p.Phe288Leu (NM_001330094.2); short protein forms F272L, F282L, F288L, F291L, F292L, F325L.
Identifiers: ClinVar variation 3774054 (VCV003774054.1).